The following is an entry in ClinVar:

NM_139284.3(LGI4):c.61A>T (p.Arg21Ter)

Gene: LGI4 (leucine rich repeat LGI family member 4; minus strand). Cytogenetic location: 19q13.12.
Variant type: single nucleotide variant.
Coding change: c.61A>T on transcript NM_139284.3 (MANE Select); coding-DNA position 61, A replaced by T.
Protein change: p.Arg21Ter; replaces arginine 21 with a stop codon.
Molecular consequence: nonsense.
Genome position (GRCh38, 1-based): chr19:35,134,620, T>A on the plus strand (A>T on the coding strand, the complement: LGI4 is on the minus strand). VCF-style: chr19-35134620-T-A. GRCh37 (hg19) VCF-style: chr19-35625524-T-A.
Other names: NM_139284.3(LGI4):c.61A>T; p.Arg21Ter; c.61A>T (NM_139284.2); short protein forms R21*.
Identifiers: ClinVar variation 1324662 (VCV001324662.9), dbSNP rs140614229, ClinGen allele CA9373472.

ClinVar aggregate classification (germline): Conflicting classifications of pathogenicity. Review status: criteria provided, conflicting classifications (1 of 4 stars). 6 submissions from 6 submitters: Pathogenic (1); Likely pathogenic (3); Uncertain significance (2). Last evaluated 2026-08-26.

Conditions:
Arthrogryposis multiplex congenita 1, neurogenic, with myelin defect. Also called: Arthrogryposis multiplex congenita, neurogenic, with myelin defect. Identifiers: MedGen C4479539, MONDO:0060486, OMIM 617468.
Inborn genetic diseases. Identifiers: MedGen C0950123, MeSH D030342.

Allele frequency attached by ClinVar (database versions not stated): ExAC 0.00010; gnomAD exomes 0.00015 and 0.00006; ESP Exome Variant Server 0.00015; TOPMed 0.00005; gnomAD 0.00005 and 0.00006.
gnomAD v4.1: 220 of 1,583,480 alleles (0.014%); highest among the groups gnomAD compares: Non-Finnish European, 0.018%; no homozygotes.

Submissions (6):

Broad Center for Mendelian Genomics, Broad Institute of MIT and Harvard
Classification: Uncertain significance for Arthrogryposis multiplex congenita 1, neurogenic, with myelin defect. Last evaluated: 2026-08-26. Review status: criteria provided, single submitter. Criteria: ACMG Guidelines, 2015. Collection method: research. Allele origin: germline. Inheritance: Autosomal recessive inheritance. Study: GREGoR Consortium.
Comment: The p.Arg21Ter variant in LGI4 has not been previously reported in the literature in individuals with arthrogryposis multiplex congenita, neurogenic, with myelin defect, but has been identified in 0.018% (211/1164506) of European (non-Finnish) chromosomes by the Genome Aggregation Database (gnomAD; dbSNP rs140614229). Although this variant has been seen in the general population in a heterozygous state, its frequency is not high enough to rule out a pathogenic role. This variant has been reported in ClinVar (Variation ID: 1324662) and has been interpreted as Pathogenic by Labcorp Genetics (formerly Invitae), likely pathogenic by Ambry Genetics, Sinai Health System, and Revvity, and a variant of uncertain significance by GeneDx. This nonsense variant leads to a premature termination codon at position 21, which is predicted to lead to a truncated or absent protein. Loss of function of the LGI4 gene is an established disease mechanism in autosomal recessive arthrogryposis multiplex congenita 1, neurogenic, with myelin defect. In summary, although additional studies are required to fully establish its clinical significance, this variant is likely pathogenic for autosomal recessive arthrogryposis multiplex congenita 1, neurogenic, with myelin defect. ACMG/AMP Criteria applied: PVS1, PM3_supporting (Richards 2015).

Ambry Genetics
Classification: Likely pathogenic for Inborn genetic diseases. Last evaluated: 2024-01-12. Review status: criteria provided, single submitter. Criteria: Ambry Variant Classification Scheme 2023. Collection method: clinical testing. Allele origin: germline.
Comment: The c.61A>T (p.R21*) alteration, located in exon 1 (coding exon 1) of the LGI4 gene, consists of an A to T substitution at nucleotide position 61. This changes the amino acid from an arginine (R) to a stop codon at amino acid position 21. The predicted stop codon occurs in the 5' end of the LGI4 gene. Premature termination codons in the 5&rsquo; end of a gene have been reported to escape nonsense-mediated mRNA decay and/or lead to re-initiation (Rivas, 2015; Lindeboom, 2016; Rhee, 2017). Direct evidence for this alteration is unavailable; however, premature termination codons are typically deleterious in nature. Based on data from gnomAD, the T allele has an overall frequency of 0.006% (14/233328) total alleles studied. Based on the available evidence, this alteration is classified as likely pathogenic.

Department of Pathology and Laboratory Medicine, Sinai Health System
Classification: Likely pathogenic for Arthrogryposis multiplex congenita 1, neurogenic, with myelin defect. Last evaluated: 2023-08-29. Review status: criteria provided, single submitter. Criteria: ACMG Guidelines, 2015. Collection method: research. Allele origin: germline.

GeneDx
Classification: Uncertain significance. Last evaluated: 2023-03-30. Review status: criteria provided, single submitter. Criteria: GeneDx Variant Classification Process June 2021. Collection method: clinical testing. Allele origin: germline. Affected: yes.
Comment: Nonsense variant predicted to result in protein truncation or nonsense mediated decay in a gene for which loss of function is a known mechanism of disease; Has not been previously published as pathogenic or benign to our knowledge

Labcorp Genetics (formerly Invitae), Labcorp
Classification: Pathogenic. Last evaluated: 2022-06-29. Review status: criteria provided, single submitter. Criteria: Invitae Variant Classification Sherloc (09022015). Collection method: clinical testing. Allele origin: germline.
Comment: This sequence change creates a premature translational stop signal (p.Arg21*) in the LGI4 gene. It is expected to result in an absent or disrupted protein product. Loss-of-function variants in LGI4 are known to be pathogenic (PMID: 28318499). This variant is present in population databases (rs140614229, gnomAD 0.01%). This variant has not been reported in the literature in individuals affected with LGI4-related conditions. ClinVar contains an entry for this variant (Variation ID: 1324662). Algorithms developed to predict the effect of sequence changes on RNA splicing suggest that this variant may create or strengthen a splice site. For these reasons, this variant has been classified as Pathogenic.

Revvity Omics, Revvity
Classification: Likely pathogenic for Arthrogryposis multiplex congenita 1, neurogenic, with myelin defect. Last evaluated: 2019-07-30. Review status: criteria provided, single submitter. Criteria: ACMG Guidelines, 2015. Collection method: clinical testing. Allele origin: germline.

Literature cited by the submitters: PubMed 25954003 (cited by Ambry Genetics); PubMed 27618451 (cited by Ambry Genetics); PubMed 28490743 (cited by Ambry Genetics); PubMed 28318499 (cited by Labcorp Genetics (formerly Invitae), Labcorp).